The following is an entry in ClinVar:

NM_024740.2(ALG9):c.405+7G>A

Gene: ALG9 (ALG9 alpha-1,2-mannosyltransferase; minus strand). Cytogenetic location: 11q23.1.
Variant type: single nucleotide variant.
Coding change: c.405+7G>A on transcript NM_024740.2 (MANE Select); 7 bases into the intron after coding-DNA position 405, G replaced by A.
Molecular consequence: intron variant.
Genome position (GRCh38, 1-based): chr11:111,868,595, C>T on the plus strand (G>A on the coding strand, the complement: ALG9 is on the minus strand). VCF-style: chr11-111868595-C-T. GRCh37 (hg19) VCF-style: chr11-111739318-C-T.
Other names: c.-109+7G>A (NM_001352409.1, NM_001352410.1, NM_001352413.1 and 11 more transcripts); c.405+7G>A (NM_001352418.1, NM_001352417.1, NM_001077690.1); c.-327+7G>A (NM_001352422.2).
Identifiers: ClinVar variation 1134985 (VCV001134985.13), dbSNP rs372345664, ClinGen allele CA6274679.
Genomic context (GRCh38, chr11:111,868,595, plus strand): 5'-CTCAAAACTATACCAGAGACTCACCTCTTGATCAATTGTGATTGCTTCCAGGTTGGTCTG[C>T]CCTTACCTTATTAGTTTGTAGAATTCTTGCATGAAATGCAGCTGGCCAGGCATGAAGCAA-3'

ClinVar aggregate classification (germline): Benign/Likely benign. Review status: criteria provided, multiple submitters, no conflicts (2 of 4 stars). 4 submissions from 4 submitters: Benign (1); Likely benign (2). 1 of the submissions does not count toward it. Last evaluated 2025-12-22.

Conditions:
ALG9-related disorder. Also called: ALG9-related condition.
ALG9 congenital disorder of glycosylation (CDG1L). Also called: CDG Il; ALG9-CDG; CONGENITAL DISORDER OF GLYCOSYLATION, TYPE Il. Identifiers: Orphanet 79328, MedGen C2931006, MONDO:0012117, OMIM 608776.
Gillessen-Kaesbach-Nishimura syndrome (GIKANIS). Identifiers: MedGen C1849762, MONDO:0009890, OMIM 263210.

Allele frequency attached by ClinVar (database versions not stated): 1000 Genomes Project 30x 0.00016; 1000 Genomes Project 0.00020; ESP Exome Variant Server 0.00050; gnomAD 0.00050 and 0.00053; TOPMed 0.00053.
gnomAD v4.1: 183 of 1,613,732 alleles (0.011%); highest among the groups gnomAD compares: African/African-American, 0.19%; 2 homozygotes.

Submissions (4):

Labcorp Genetics (formerly Invitae), Labcorp
Classification: Likely benign for ALG9 congenital disorder of glycosylation. Last evaluated: 2025-12-22. Review status: criteria provided, single submitter. Criteria: Invitae Variant Classification Sherloc (09022015). Collection method: clinical testing. Allele origin: germline.

ARUP Laboratories, Molecular Genetics and Genomics, ARUP Laboratories
Classification: Benign. Last evaluated: 2024-01-17. Review status: criteria provided, single submitter. Criteria: ARUP Molecular Germline Variant Investigation Process 2024. Collection method: clinical testing. Allele origin: germline.

Fulgent Genetics
Classification: Likely benign for Gillessen-Kaesbach-Nishimura syndrome; ALG9 congenital disorder of glycosylation. Last evaluated: 2021-12-27. Review status: criteria provided, single submitter. Criteria: ACMG Guidelines, 2015. Collection method: clinical testing. Allele origin: unknown.

PreventionGenetics, part of Exact Sciences
Classification: Likely benign for ALG9-related condition. Last evaluated: 2021-09-13. Review status: no assertion criteria provided. Collection method: clinical testing. Allele origin: germline. Not counted in ClinVar's aggregate classification.
Comment: This variant is classified as likely benign based on ACMG/AMP sequence variant interpretation guidelines (Richards et al. 2015 PMID: 25741868, with internal and published modifications).